The following is an entry in ClinVar:

NM_033004.4(NLRP1):c.1040T>G (p.Val347Gly)

Gene: NLRP1 (NLR family pyrin domain containing 1; minus strand). Cytogenetic location: 17p13.2.
Variant type: single nucleotide variant.
Coding change: c.1040T>G on transcript NM_033004.4 (MANE Select); coding-DNA position 1040, T replaced by G.
Protein change: p.Val347Gly; replaces valine 347 with glycine.
Molecular consequence: missense variant.
Genome position (GRCh38, 1-based): chr17:5,559,656, A>C on the plus strand (T>G on the coding strand, the complement: NLRP1 is on the minus strand). VCF-style: chr17-5559656-A-C. GRCh37 (hg19) VCF-style: chr17-5462976-A-C.
Other names: c.1040T>G, p.Val347Gly (NM_001033053.3, NM_014922.5, NM_033006.4 and 1 more transcripts); c.1040T>G (NM_033004.3); short protein forms V347G.
Identifiers: ClinVar variation 1442888 (VCV001442888.10), dbSNP rs201743343, ClinGen allele CA8327445.

ClinVar aggregate classification (germline): Uncertain significance. Review status: criteria provided, multiple submitters, no conflicts (2 of 4 stars). 5 submissions from 5 submitters: Uncertain significance (5). Last evaluated 2026-01-06.

Conditions:
Respiratory papillomatosis, juvenile recurrent, congenital. Identifiers: MedGen C5394112, MONDO:0032925, OMIM 618803.
Corneal intraepithelial dyskeratosis-palmoplantar hyperkeratosis-laryngeal dyskeratosis syndrome. Also called: Palmoplantar carcinoma, multiple self-healing. Identifiers: Orphanet 352662, MedGen C3808876, MONDO:0014089, OMIM 615225.
Vitiligo-associated multiple autoimmune disease susceptibility 1 (VAMAS1). Also called: SYSTEMIC LUPUS ERYTHEMATOSUS, VITILIGO-RELATED. Identifiers: Orphanet 247871, MedGen C1847835, MONDO:0011684, OMIM 606579.
Autoinflammation with arthritis and dyskeratosis (AIADK). Identifiers: MedGen C4479278, MONDO:0060457, OMIM 617388.
Inborn genetic diseases. Identifiers: MedGen C0950123, MeSH D030342.

Allele frequency attached by ClinVar (database versions not stated): ExAC 0.00006; TOPMed 0.00008; gnomAD 0.00009; gnomAD exomes 0.00010 and 0.00022; 1000 Genomes Project 30x 0.00031; 1000 Genomes Project 0.00040.
gnomAD v4.1: 326 of 1,614,164 alleles (0.02%); highest among the groups gnomAD compares: Non-Finnish European, 0.027%; no homozygotes.

Submissions (5):

Labcorp Genetics (formerly Invitae), Labcorp
Classification: Uncertain significance. Last evaluated: 2026-01-06. Review status: criteria provided, single submitter. Criteria: Invitae Variant Classification Sherloc (09022015). Collection method: clinical testing. Allele origin: germline.
Comment: This sequence change replaces valine, which is neutral and non-polar, with glycine, which is neutral and non-polar, at codon 347 of the NLRP1 protein (p.Val347Gly). This variant is present in population databases (rs201743343, gnomAD 0.02%). This variant has not been reported in the literature in individuals affected with NLRP1-related conditions. ClinVar contains an entry for this variant (Variation ID: 1442888). An algorithm developed to predict the effect of missense changes on protein structure and function (PolyPhen-2) suggests that this variant is likely to be disruptive. In summary, the available evidence is currently insufficient to determine the role of this variant in disease. Therefore, it has been classified as a Variant of Uncertain Significance.

Ambry Genetics
Classification: Uncertain significance for Inborn genetic diseases. Last evaluated: 2024-12-05. Review status: criteria provided, single submitter. Criteria: Ambry Variant Classification Scheme 2023. Collection method: clinical testing. Allele origin: germline.

Blueprint Genetics
Classification: Uncertain significance. Last evaluated: 2024-09-05. Review status: criteria provided, single submitter. Criteria: ACMG Guidelines, 2015. Collection method: clinical testing. Allele origin: germline.

Institute of Human Genetics, University of Leipzig Medical Center
Classification: Uncertain significance for Autoinflammation with arthritis and dyskeratosis. Last evaluated: 2023-05-09. Review status: criteria provided, single submitter. Criteria: ACMG Guidelines, 2015. Collection method: clinical testing. Allele origin: unknown. Inheritance: Autosomal dominant inheritance. Affected: yes.
Comment: Criteria applied: PM1_SUP,PP3

Fulgent Genetics
Classification: Uncertain significance for Vitiligo-associated multiple autoimmune disease susceptibility 1; Corneal intraepithelial dyskeratosis-palmoplantar hyperkeratosis-laryngeal dyskeratosis syndrome; Autoinflammation with arthritis and dyskeratosis; Respiratory papillomatosis, juvenile recurrent, congenital. Last evaluated: 2022-03-10. Review status: criteria provided, single submitter. Criteria: ACMG Guidelines, 2015. Collection method: clinical testing. Allele origin: unknown.